The following is an entry in ClinVar:

ClinVar aggregate classification (germline): Pathogenic (1 of 4 stars; one submission).

Allele frequency attached by ClinVar (database versions not stated): gnomAD exomes below 0.00001.

Submission:

Labcorp Genetics (formerly Invitae), Labcorp
Classification: Pathogenic. Last evaluated: 2020-02-27. Review status: criteria provided, single submitter. Criteria: Invitae Variant Classification Sherloc (09022015). Collection method: clinical testing. Allele origin: germline.
Comment: This sequence change creates a premature translational stop signal (p.Ala252Ilefs*5) in the TPP1 gene. It is expected to result in an absent or disrupted protein product. This variant is not present in population databases (ExAC no frequency). This variant has not been reported in the literature in individuals with TPP1-related conditions. Loss-of-function variants in TPP1 are known to be pathogenic (PMID: 10330339). For these reasons, this variant has been classified as Pathogenic.

Literature cited by the submitters: PubMed 10330339.

NM_000391.4(TPP1):c.754_757del (p.Ala252fs)

Gene: TPP1 (tripeptidyl peptidase 1; minus strand). Cytogenetic location: 11p15.4.
Variant type: Deletion.
Coding change: c.754_757del on transcript NM_000391.4 (MANE Select); coding-DNA positions 754 to 757, 4 bases deleted (GCAC; older notation c.754_757delGCAC).
Protein change: p.Ala252fs; shifts the reading frame from alanine 252.
Molecular consequence: frameshift variant.
Genome position (GRCh38, 1-based): chr11:6,616,790-6,616,793, GTGC deleted on the plus strand (GCAC on the coding strand, the reverse complement: TPP1 is on the minus strand). VCF-style (leftmost placement, unchanged base first): chr11-6616789-TGTGC-T. GRCh37 (hg19) VCF-style: chr11-6638020-TGTGC-T.
Other names: short protein forms A252fs.
Identifiers: ClinVar variation 1074509 (VCV001074509.7), dbSNP rs2134594449, ClinGen allele CA2499221182.
Genomic context (GRCh38, chr11:6,616,789, plus strand): 5'-GCCTCAATCCCGGCCCGGCCCCGGCCCTGTTGTCCAACCACACGGGCTACTGATGCCTGA[TGTGC>T]AAAGTTGCCACCGAAGAGGCGCATGAACTGAGCCAGGTCTGAGTCATGGAAATACTGCTC-3'